The following is an entry in ClinVar:

NM_000350.3(ABCA4):c.6000C>T (p.Gly2000=)

Gene: ABCA4 (ATP binding cassette subfamily A member 4; minus strand). Cytogenetic location: 1p22.1.
Variant type: single nucleotide variant.
Coding change: c.6000C>T on transcript NM_000350.3 (MANE Select); coding-DNA position 6000, C replaced by T.
Protein change: p.Gly2000=; no amino-acid change (glycine 2000 retained).
Molecular consequence: synonymous variant.
Genome position (GRCh38, 1-based): chr1:94,007,639, G>A on the plus strand (C>T on the coding strand, the complement: ABCA4 is on the minus strand). VCF-style: chr1-94007639-G-A. GRCh37 (hg19) VCF-style: chr1-94473195-G-A.
Other names: c.5778C>T, p.Gly1926= (NM_001425324.1).
Identifiers: ClinVar variation 2021123 (VCV002021123.4), dbSNP rs887208825, ClinGen allele CA418813821.
Genomic context (GRCh38, chr1:94,007,639, plus strand): 5'-TCTTCTCACAGGACCTGTGAGAGACTCCCTGAGACAGGAGGAGCAGGATACTCACCTCTT[G>A]CCTGCTACGGTGGCATCCCCTGAGGTCACTGTGGTGTCCCCAGTGAGCATCTTGAATGTG-3'
Protein context (NP_000341.2, residues 1990-2010): TVTSGDATVA[Gly2000=]KSILTNISEV

ClinVar aggregate classification (germline): Uncertain significance (1 of 4 stars; one submission).

gnomAD v4.1: 2 of 1,612,906 alleles (0.00012%); highest among the groups gnomAD compares: South Asian, 0.0011%; no homozygotes.

Submission:

Labcorp Genetics (formerly Invitae), Labcorp
Classification: Uncertain significance. Last evaluated: 2023-03-17. Review status: criteria provided, single submitter. Criteria: Invitae Variant Classification Sherloc (09022015). Collection method: clinical testing. Allele origin: germline.
Comment: This variant is not present in population databases (gnomAD no frequency). In summary, the available evidence is currently insufficient to determine the role of this variant in disease. Therefore, it has been classified as a Variant of Uncertain Significance. Algorithms developed to predict the effect of sequence changes on RNA splicing suggest that this variant may create or strengthen a splice site. ClinVar contains an entry for this variant (Variation ID: 2021123). This variant has not been reported in the literature in individuals affected with ABCA4-related conditions. This sequence change affects codon 2000 of the ABCA4 mRNA. It is a 'silent' change, meaning that it does not change the encoded amino acid sequence of the ABCA4 protein.